The following is an entry in ClinVar:

ClinVar aggregate classification (germline): Uncertain significance (1 of 4 stars; one submission).

Conditions:
Hereditary cancer-predisposing syndrome. Also called: Neoplastic Syndromes, Hereditary; Tumor predisposition; Hereditary Cancer Syndrome; Hereditary neoplastic syndrome. Identifiers: Orphanet 140162, MedGen C0027672, MeSH D009386, MONDO:0015356.

Submission:

Ambry Genetics
Classification: Uncertain significance for Hereditary cancer-predisposing syndrome. Last evaluated: 2025-12-20. Review status: criteria provided, single submitter. Criteria: Ambry Variant Classification Scheme 2023. Collection method: clinical testing. Allele origin: germline.
Comment: The p.S1252Y variant (also known as c.3755C>A), located in coding exon 19 of the BLM gene, results from a C to A substitution at nucleotide position 3755. The serine at codon 1252 is replaced by tyrosine, an amino acid with dissimilar properties. This amino acid position is not well conserved in available vertebrate species. In addition, this alteration is predicted to be tolerated by in silico analysis. Since supporting evidence is limited at this time, the clinical significance of this alteration remains unclear.

NM_000057.4(BLM):c.3755C>A (p.Ser1252Tyr)

Gene: BLM (BLM RecQ like helicase; plus strand). Cytogenetic location: 15q26.1.
Variant type: single nucleotide variant.
Coding change: c.3755C>A on transcript NM_000057.4 (MANE Select); coding-DNA position 3755, C replaced by A.
Protein change: p.Ser1252Tyr; replaces serine 1252 with tyrosine.
Molecular consequence: missense variant.
Genome position (GRCh38, 1-based): chr15:90,809,140, C>A. VCF-style: chr15-90809140-C-A. GRCh37 (hg19) VCF-style: chr15-91352370-C-A.
Other names: c.3755C>A, p.Ser1252Tyr (NM_001287246.2); c.3362C>A, p.Ser1121Tyr (NM_001287247.2); c.2630C>A, p.Ser877Tyr (NM_001287248.2); short protein forms S1252Y, S877Y, S1121Y.
Identifiers: ClinVar variation 2566837 (VCV002566837.3), dbSNP rs2505561281, ClinGen allele CA393849589.